The following is an entry in ClinVar:

ClinVar aggregate classification (germline): Likely pathogenic (1 of 4 stars; one submission).

Conditions:
Keipert syndrome (KPTS). Identifiers: Orphanet 2662, MedGen C1850627, MONDO:0009720, OMIM 301026.

Submission:

3billion
Classification: Likely pathogenic for Keipert syndrome. Last evaluated: 2024-01-11. Review status: criteria provided, single submitter. Criteria: ACMG Guidelines, 2015. Collection method: clinical testing. Allele origin: germline. Affected: yes.
Comment: The variant is not observed in the gnomAD v2.1.1 dataset. Predicted Consequence/Location: Stop-gained (nonsense): predicted to result in a loss or disruption of normal protein function through protein truncation. Multiple pathogenic variants are reported in the predicted truncated region. Therefore, this variant is classified as Likely pathogenic according to the recommendation of ACMG/AMP guideline.

NM_001448.3(GPC4):c.1512T>G (p.Tyr504Ter)

Gene: GPC4 (glypican 4; minus strand). Cytogenetic location: Xq26.2.
Variant type: single nucleotide variant.
Coding change: c.1512T>G on transcript NM_001448.3 (MANE Select); coding-DNA position 1512, T replaced by G.
Protein change: p.Tyr504Ter; replaces tyrosine 504 with a stop codon.
Molecular consequence: nonsense.
Genome position (GRCh38, 1-based): chrX:133,303,026, A>C on the plus strand (T>G on the coding strand, the complement: GPC4 is on the minus strand). VCF-style: chrX-133303026-A-C. GRCh37 (hg19) VCF-style: chrX-132437054-A-C.
Other names: short protein forms Y504*.
Identifiers: ClinVar variation 3776172 (VCV003776172.1).
Genomic context (GRCh38, chrX:133,303,026, plus strand): 5'-ATTGGCACTCTTCCCAGCATGGTCAGTGGCATTGTAGTCAAACTCTGAAGGGCACTGCTG[A>C]TACTCACAGCCACTTCCACTTCCTTCTCCACTACTTTCATCACCTAGTTTAAAAAAAAAT-3'